The following is an entry in ClinVar:

NM_001291415.2(KDM6A):c.2069A>C (p.Asn690Thr)

Gene: KDM6A (lysine demethylase 6A; plus strand). Cytogenetic location: Xp11.3.
Variant type: single nucleotide variant.
Coding change: c.2069A>C on transcript NM_001291415.2 (MANE Select); coding-DNA position 2069, A replaced by C.
Protein change: p.Asn690Thr; replaces asparagine 690 with threonine.
Molecular consequence: missense variant. On other transcripts: non-coding transcript variant (1).
Genome position (GRCh38, 1-based): chrX:45,063,807, A>C. VCF-style: chrX-45063807-A-C. GRCh37 (hg19) VCF-style: chrX-44923052-A-C.
Other names: c.1934A>C, p.Asn645Thr (NM_001291416.2, NM_001419811.1); c.1778A>C, p.Asn593Thr (NM_001291417.2); c.1676A>C, p.Asn559Thr (NM_001291418.2, NM_001419815.1); c.1025A>C, p.Asn342Thr (NM_001291421.2); c.1811A>C, p.Asn604Thr (NM_001410742.1, NM_001419814.1); c.2069A>C, p.Asn690Thr (NM_001419809.1); c.1967A>C, p.Asn656Thr (NM_001419810.1, NM_001419813.1); c.1913A>C, p.Asn638Thr (NM_001419812.1, NM_021140.4); short protein forms N342T, N559T, N593T, N604T, N638T, N645T, N656T, N690T.
Identifiers: ClinVar variation 3340910 (VCV003340910.1).
Genomic context (GRCh38, chrX:45,063,807, plus strand): 5'-CTCATAACCGCACAAACCTGACCAGCAGCGCAGAGGAGCCGTGGAAAAACCAACTATCTA[A>C]CTCCACTCAGGTAATAGGAGGACTAGCTTCCTTGTTGGCTTTTCACATAAATGTTTTTAC-3'
Protein context (NP_001278344.1, residues 680-700): AEEPWKNQLS[Asn690Thr]STQGLHKGQS

ClinVar aggregate classification (germline): Uncertain significance (1 of 4 stars; one submission).

Submission:

GeneDx
Classification: Uncertain significance. Last evaluated: 2023-08-28. Review status: criteria provided, single submitter. Criteria: GeneDx Variant Classification Process June 2021. Collection method: clinical testing. Allele origin: germline. Affected: yes.
Comment: Not observed at significant frequency in large population cohorts (gnomAD); In silico analysis supports that this missense variant has a deleterious effect on protein structure/function; Has not been previously published as pathogenic or benign to our knowledge